The following is an entry in ClinVar:

ClinVar aggregate classification (germline): Benign/Likely benign. Review status: criteria provided, multiple submitters, no conflicts (2 of 4 stars). 22 submissions from 15 submitters: Benign (20); Likely benign (2). Last evaluated 2026-02-04.

Conditions:
Dilated cardiomyopathy 1G (CMD1G). Identifiers: Orphanet 154, MedGen C1858763, MONDO:0011400, OMIM 604145.
Autosomal recessive limb-girdle muscular dystrophy type 2J (LGMDR10). Also called: MUSCULAR DYSTROPHY, LIMB-GIRDLE, AUTOSOMAL RECESSIVE 10; Limb-girdle muscular dystrophy, type 2J. Identifiers: Orphanet 140922, MedGen C1837342, MONDO:0012127, OMIM 608807.
Cardiovascular phenotype. Identifiers: MedGen CN230736.
Early-onset myopathy with fatal cardiomyopathy (CMYO5). Also called: CONGENITAL MYOPATHY 5 WITH CARDIOMYOPATHY; Salih Myopathy. Identifiers: Orphanet 289377, MedGen C2673677, MONDO:0012714, OMIM 611705. Disease mechanism: loss of function.
Myopathy, myofibrillar, 9, with early respiratory failure (MFM9). Also called: Myopathy, distal, with early respiratory failure, autosomal dominant; Hereditary myopathy with early respiratory failure; MYOPATHY, PROXIMAL, WITH EARLY RESPIRATORY MUSCLE INVOLVEMENT; EDSTROM MYOPATHY. Identifiers: Orphanet 178464, Orphanet 34521, MedGen C1863599, MONDO:0011362, OMIM 603689.
Tibial muscular dystrophy (TMD). Also called: Udd Distal Myopathy – Tibial Muscular Dystrophy; Tibial muscular dystrophy, tardive; UDD MYOPATHY. Identifiers: Orphanet 609, MedGen C1838244, MONDO:0010870, OMIM 600334.

Allele frequency attached by ClinVar (database versions not stated): ESP Exome Variant Server 0.12144; TOPMed 0.13678; ExAC 0.17535; 1000 Genomes Project 30x 0.20144; 1000 Genomes Project 0.20867; gnomAD exomes 0.17556 and 0.15338; gnomAD 0.13294 and 0.13933.
gnomAD v4.1: 246,198 of 1,613,722 alleles (15%); highest among the groups gnomAD compares: East Asian, 43%; 21,854 homozygotes.

Submissions (22):

Labcorp Genetics (formerly Invitae), Labcorp
Classification: Benign for Dilated cardiomyopathy 1G; Autosomal recessive limb-girdle muscular dystrophy type 2J. Last evaluated: 2026-02-04. Review status: criteria provided, single submitter. Criteria: Invitae Variant Classification Sherloc (09022015). Collection method: clinical testing. Allele origin: germline.

Molecular Diagnostic Laboratory for Inherited Cardiovascular Disease, Montreal Heart Institute
Classification: Benign. Last evaluated: 2025-04-09. Review status: criteria provided, single submitter. Criteria: ACMG Guidelines, 2015. Collection method: clinical testing. Allele origin: germline. Affected: no.

Genome-Nilou Lab
Classification: Benign for Autosomal recessive limb-girdle muscular dystrophy type 2J. Last evaluated: 2021-09-10. Review status: criteria provided, single submitter. Criteria: ACMG Guidelines, 2015. Collection method: clinical testing. Allele origin: germline. Affected: no.

Genome-Nilou Lab
Classification: Benign for Myopathy, myofibrillar, 9, with early respiratory failure. Last evaluated: 2021-09-10. Review status: criteria provided, single submitter. Criteria: ACMG Guidelines, 2015. Collection method: clinical testing. Allele origin: germline. Affected: no.

Genome-Nilou Lab
Classification: Benign for Early-onset myopathy with fatal cardiomyopathy. Last evaluated: 2021-09-10. Review status: criteria provided, single submitter. Criteria: ACMG Guidelines, 2015. Collection method: clinical testing. Allele origin: germline. Affected: no.

Genome-Nilou Lab
Classification: Benign for Tibial muscular dystrophy. Last evaluated: 2021-09-10. Review status: criteria provided, single submitter. Criteria: ACMG Guidelines, 2015. Collection method: clinical testing. Allele origin: germline. Affected: no.

Women's Health and Genetics/Laboratory Corporation of America, LabCorp
Classification: Likely benign. Last evaluated: 2020-08-18. Review status: criteria provided, single submitter. Criteria: LabCorp Variant Classification Summary - May 2015. Collection method: clinical testing. Allele origin: germline.

Athena Diagnostics
Classification: Benign. Last evaluated: 2018-09-21. Review status: criteria provided, single submitter. Criteria: Athena Diagnostics Criteria. Collection method: clinical testing. Allele origin: germline.

Illumina Laboratory Services, Illumina
Classification: Benign for Myopathy, myofibrillar, 9, with early respiratory failure. Last evaluated: 2018-01-13. Review status: criteria provided, single submitter. Criteria: ICSL Variant Classification Criteria 13 December 2019. Collection method: clinical testing. Allele origin: germline.
Comment: This variant was observed in the ICSL laboratory as part of a predisposition screen in an ostensibly healthy population. It had not been previously curated by ICSL or reported in the Human Gene Mutation Database (HGMD: prior to June 1st, 2018), and was therefore a candidate for classification through an automated scoring system. Utilizing variant allele frequency, disease prevalence and penetrance estimates, and inheritance mode, an automated score was calculated to assess if this variant is too frequent to cause the disease. Based on the score and internal cut-off values, a variant classified as benign is not then subjected to further curation. The score for this variant resulted in a classification of benign for this disease.

Illumina Laboratory Services, Illumina
Classification: Benign for Dilated cardiomyopathy 1G. Last evaluated: 2018-01-13. Review status: criteria provided, single submitter. Criteria: ICSL Variant Classification Criteria 13 December 2019. Collection method: clinical testing. Allele origin: germline.
Comment: the same text as in the submission from Illumina Laboratory Services, Illumina above.

Illumina Laboratory Services, Illumina
Classification: Benign for Autosomal recessive limb-girdle muscular dystrophy type 2J. Last evaluated: 2018-01-13. Review status: criteria provided, single submitter. Criteria: ICSL Variant Classification Criteria 13 December 2019. Collection method: clinical testing. Allele origin: germline.
Comment: the same text as in the submission from Illumina Laboratory Services, Illumina above.

Illumina Laboratory Services, Illumina
Classification: Benign for Tibial muscular dystrophy. Last evaluated: 2018-01-13. Review status: criteria provided, single submitter. Criteria: ICSL Variant Classification Criteria 13 December 2019. Collection method: clinical testing. Allele origin: germline.
Comment: the same text as in the submission from Illumina Laboratory Services, Illumina above.

Illumina Laboratory Services, Illumina
Classification: Benign for Early-onset myopathy with fatal cardiomyopathy. Last evaluated: 2018-01-13. Review status: criteria provided, single submitter. Criteria: ICSL Variant Classification Criteria 13 December 2019. Collection method: clinical testing. Allele origin: germline.
Comment: the same text as in the submission from Illumina Laboratory Services, Illumina above.

Mayo Clinic Laboratories, Mayo Clinic
Classification: Benign. Last evaluated: 2017-08-25. Review status: criteria provided, single submitter. Criteria: ACMG Guidelines, 2015. Collection method: clinical testing. Allele origin: germline. Observed: 626 variant alleles.

PreventionGenetics, part of Exact Sciences
Classification: Benign. Last evaluated: 2016-02-17. Review status: criteria provided, single submitter. Criteria: ACMG Guidelines, 2015. Collection method: clinical testing. Allele origin: germline.

Eurofins Ntd Llc (ga)
Classification: Benign. Last evaluated: 2013-10-21. Review status: criteria provided, single submitter. Criteria: EGL Classification Definitions 2015. Collection method: clinical testing. Allele origin: germline. Observed: 3 variant alleles, 3 heterozygotes.

Genetic Services Laboratory, University of Chicago
Classification: Benign for AllHighlyPenetrant. Last evaluated: 2013-08-15. Review status: criteria provided, single submitter. Criteria: ACMG Guidelines, 2007. Collection method: clinical testing. Allele origin: germline.

Biesecker Lab/Clinical Genomics Section, National Institutes of Health
Classification: Benign. Last evaluated: 2013-06-24. Review status: criteria provided, single submitter. Criteria: Ng et al. (Circ Cardiovasc Genet. 2013). Collection method: research. Allele origin: unknown. Observed: 134 variant alleles. Study: ClinSeq.
Comment: The study set was not selected for affection status in relation to any cancer. Pathogenicity categories were based on literature curation. See Pubmed ID:23861362 for details.

Medical sequencing

Ambry Genetics
Classification: Benign for Cardiovascular phenotype. Last evaluated: 2013-01-16. Review status: criteria provided, single submitter. Criteria: Ambry Autosomal Dominant and X-Linked criteria (10/2015). Collection method: clinical testing. Allele origin: germline. Observed: 1 variant allele.

GeneDx
Classification: Benign. Last evaluated: 2012-10-31. Review status: criteria provided, single submitter. Criteria: GeneDx Variant Classification (06012015). Collection method: clinical testing. Allele origin: germline. Affected: yes.
Comment: This variant is considered likely benign or benign based on one or more of the following criteria: it is a conservative change, it occurs at a poorly conserved position in the protein, it is predicted to be benign by multiple in silico algorithms, and/or has population frequency not consistent with disease.

Laboratory for Molecular Medicine, Mass General Brigham Personalized Medicine
Classification: Benign. Last evaluated: 2012-03-08. Review status: criteria provided, single submitter. Criteria: LMM Criteria. Collection method: clinical testing. Allele origin: germline. Observed: 480 variant alleles.
Comment: Arg32026His in exon 307 of TTN: This variant is not expected to have clinical si gnificance because it has been identified in 14.4% (970/6736) of European Americ an chromosomes from a broad population by the NHLBI Exome Sequencing Project (dbSNP rs3829747).

Breakthrough Genomics
Classification: Likely benign. Review status: criteria provided, single submitter. Criteria: ACMG Guidelines, 2015. Collection method: not provided. Allele origin: germline. Inheritance: Autosomal recessive inheritance. Affected: yes.

NM_001267550.2(TTN):c.103781G>A (p.Arg34594His)

Genes: TTN (titin; minus strand), TTN-AS1 (TTN antisense RNA 1; plus strand). Cytogenetic location: 2q31.2.
Variant type: single nucleotide variant.
Coding change: c.103781G>A on transcript NM_001267550.2 (MANE Select); coding-DNA position 103781, G replaced by A.
Protein change: p.Arg34594His; replaces arginine 34594 with histidine.
Molecular consequence: missense variant.
Genome position (GRCh38, 1-based): chr2:178,532,834, C>T on the plus strand (G>A on the coding strand, the complement: TTN is on the minus strand). VCF-style: chr2-178532834-C-T. GRCh37 (hg19) VCF-style: chr2-179397561-C-T.
Other names: p.R32953H:CGC>CAC; c.98858G>A, p.Arg32953His (NM_001256850.1); c.76586G>A, p.Arg25529His (NM_003319.4); c.96077G>A, p.Arg32026His (NM_133378.4); c.76961G>A, p.Arg25654His (NM_133432.3); c.77162G>A, p.Arg25721His (NM_133437.4); short protein forms R34594H, R32026H, R32953H, R25654H, R25721H, R25529H.
Identifiers: ClinVar variation 47663 (VCV000047663.35), dbSNP rs3829747, ClinGen allele CA284276.